The following is an entry in ClinVar:

ClinVar aggregate classification (germline): Likely benign. Review status: criteria provided, multiple submitters, no conflicts (2 of 4 stars). 3 submissions from 3 submitters: Likely benign (2). 1 of the submissions does not count toward it. Last evaluated 2026-01-05.

Conditions:
Neurodevelopmental disorder with or without hyperkinetic movements and seizures, autosomal dominant. Also called: Intellectual disability, autosomal dominant 8. Identifiers: MedGen C3280282, MONDO:0013655, OMIM 614254.

Allele frequency attached by ClinVar (database versions not stated): ExAC 0.00003; gnomAD 0.00007 and 0.00009; TOPMed 0.00007; ESP Exome Variant Server 0.00015; gnomAD exomes below 0.00001 and 0.00001.
gnomAD v4.1: 15 of 1,613,662 alleles (0.00093%); highest among the groups gnomAD compares: African/African-American, 0.019%; no homozygotes.

Submissions (3):

Labcorp Genetics (formerly Invitae), Labcorp
Classification: Likely benign for Neurodevelopmental disorder with or without hyperkinetic movements and seizures, autosomal dominant. Last evaluated: 2026-01-05. Review status: criteria provided, single submitter. Criteria: Invitae Variant Classification Sherloc (09022015). Collection method: clinical testing. Allele origin: germline.

CeGaT Center for Human Genetics Tuebingen
Classification: Likely benign. Last evaluated: 2025-03-01. Review status: criteria provided, single submitter. Criteria: CeGaT Center For Human Genetics Tuebingen Variant Classification Criteria Version 2. Collection method: clinical testing. Allele origin: germline. Affected: yes. Observed: 1 variant allele.
Comment: GRIN1: BP4, BP7

Psychiatry Genetics Yale University
No classification provided. Review status: no classification provided. Collection method: not provided. Allele origin: not provided. Not counted in ClinVar's aggregate classification.

NM_007327.4(GRIN1):c.2445G>A (p.Gly815=)

Gene: GRIN1 (glutamate ionotropic receptor NMDA type subunit 1; plus strand). Cytogenetic location: 9q34.3.
Variant type: single nucleotide variant.
Coding change: c.2445G>A on transcript NM_007327.4 (MANE Select); coding-DNA position 2445, G replaced by A.
Protein change: p.Gly815=; no amino-acid change (glycine 815 retained).
Molecular consequence: synonymous variant.
Genome position (GRCh38, 1-based): chr9:137,163,760, G>A. VCF-style: chr9-137163760-G-A. GRCh37 (hg19) VCF-style: chr9-140058212-G-A.
Other names: c.2445G>A, p.Gly815= (NM_000832.7, NM_021569.4); c.2508G>A, p.Gly836= (NM_001185090.2, NM_001185091.2).
Identifiers: ClinVar variation 98405 (VCV000098405.19), dbSNP rs367543117, ClinGen allele CA225679.